The following is an entry in ClinVar:

NM_000020.3(ACVRL1):c.1136A>G (p.Glu379Gly)

Gene: ACVRL1 (activin A receptor like type 1; plus strand). Cytogenetic location: 12q13.13.
Variant type: single nucleotide variant.
Coding change: c.1136A>G on transcript NM_000020.3 (MANE Select); coding-DNA position 1136, A replaced by G.
Protein change: p.Glu379Gly; replaces glutamic acid 379 with glycine.
Molecular consequence: missense variant. On other transcripts: intron variant (1).
Genome position (GRCh38, 1-based): chr12:51,916,123, A>G. VCF-style: chr12-51916123-A-G. GRCh37 (hg19) VCF-style: chr12-52309907-A-G.
Other names: c.1136A>G, p.Glu379Gly (NM_001077401.2, NM_001406487.1, NM_001406488.1 and 1 more transcripts); c.824A>G, p.Glu275Gly (NM_001406490.1, NM_001406491.1, NM_001406492.1 and 1 more transcripts); c.572A>G, p.Glu191Gly (NM_001406495.1); c.736+623A>G (NM_001406494.1); short protein forms E275G, E379G, E191G.
Identifiers: ClinVar variation 2748456 (VCV002748456.3), dbSNP rs2540166517, ClinGen allele CA384902513.

ClinVar aggregate classification (germline): Likely pathogenic (1 of 4 stars; one submission).

Conditions:
Telangiectasia, hereditary hemorrhagic, type 2 (HHT2). Also called: Telangiectasia, hereditary hemorrhagic, type II; ACVRL1-Related Hereditary Hemorrhagic Telangiectasia. Identifiers: Orphanet 774, MedGen C1838163, MONDO:0010880, OMIM 600376. Disease mechanism: loss of function.

Submission:

Labcorp Genetics (formerly Invitae), Labcorp
Classification: Likely pathogenic for Telangiectasia, hereditary hemorrhagic, type 2. Last evaluated: 2023-07-30. Review status: criteria provided, single submitter. Criteria: Invitae Variant Classification Sherloc (09022015). Collection method: clinical testing. Allele origin: germline.
Comment: In summary, the currently available evidence indicates that the variant is pathogenic, but additional data are needed to prove that conclusively. Therefore, this variant has been classified as Likely Pathogenic. This variant disrupts the p.Glu379 amino acid residue in ACVRL1. Other variant(s) that disrupt this residue have been determined to be pathogenic (PMID: 15024723, 15712270, 16429404, 18498373, 22991266, 24603890, 26176610). This suggests that this residue is clinically significant, and that variants that disrupt this residue are likely to be disease-causing. Advanced modeling of protein sequence and biophysical properties (such as structural, functional, and spatial information, amino acid conservation, physicochemical variation, residue mobility, and thermodynamic stability) performed at Invitae indicates that this missense variant is expected to disrupt ACVRL1 protein function. This missense change has been observed in individual(s) with hereditary hemorrhagic telangiectasia (Invitae). This variant is not present in population databases (gnomAD no frequency). This sequence change replaces glutamic acid, which is acidic and polar, with glycine, which is neutral and non-polar, at codon 379 of the ACVRL1 protein (p.Glu379Gly).

Literature cited by the submitters: PubMed 15024723; PubMed 15712270; PubMed 16429404; PubMed 18498373; PubMed 22991266; PubMed 24603890; PubMed 26176610.